The following is an entry in ClinVar:

ClinVar aggregate classification (germline): Likely benign. Review status: criteria provided, multiple submitters, no conflicts (2 of 4 stars). 3 submissions from 3 submitters: Likely benign (2). 1 of the submissions does not count toward it. Last evaluated 2025-03-18.

Conditions:
TYR-related disorder. Also called: TYR-related condition.

Allele frequency attached by ClinVar (database versions not stated): ExAC 0.00001; gnomAD 0.00002; TOPMed 0.00005.
gnomAD v4.1: 18 of 1,613,342 alleles (0.0011%); highest among the groups gnomAD compares: Admixed American, 0.0033%; no homozygotes.

Submissions (3):

Labcorp Genetics (formerly Invitae), Labcorp
Classification: Likely benign. Last evaluated: 2025-03-18. Review status: criteria provided, single submitter. Criteria: Invitae Variant Classification Sherloc (09022015). Collection method: clinical testing. Allele origin: germline.

Blueprint Genetics
Classification: Likely benign. Last evaluated: 2024-08-26. Review status: criteria provided, single submitter. Criteria: ACMG Guidelines, 2015. Collection method: clinical testing. Allele origin: germline.

PreventionGenetics, part of Exact Sciences
Classification: Likely benign for TYR-related condition. Last evaluated: 2021-04-27. Review status: no assertion criteria provided. Collection method: clinical testing. Allele origin: germline. Not counted in ClinVar's aggregate classification.
Comment: This variant is classified as likely benign based on ACMG/AMP sequence variant interpretation guidelines (Richards et al. 2015 PMID: 25741868, with internal and published modifications).

NM_000372.5(TYR):c.876G>A (p.Thr292=)

Gene: TYR (tyrosinase; plus strand). Cytogenetic location: 11q14.3.
Variant type: single nucleotide variant.
Coding change: c.876G>A on transcript NM_000372.5 (MANE Select); coding-DNA position 876, G replaced by A.
Protein change: p.Thr292=; no amino-acid change (threonine 292 retained).
Molecular consequence: synonymous variant.
Genome position (GRCh38, 1-based): chr11:89,191,258, G>A. VCF-style: chr11-89191258-G-A. GRCh37 (hg19) VCF-style: chr11-88924426-G-A.
Other names: c.876G>A (NM_000372.4).
Identifiers: ClinVar variation 2073144 (VCV002073144.7), dbSNP rs773014785, ClinGen allele CA6221244.